The following is an entry in ClinVar:

ClinVar aggregate classification (germline): Pathogenic/Likely pathogenic. Review status: criteria provided, multiple submitters, no conflicts (2 of 4 stars). 19 submissions from 19 submitters: Pathogenic (15); Likely pathogenic (1). 3 of the submissions do not count toward it. Last evaluated 2026-06-15.

Conditions:
Inborn genetic diseases. Identifiers: MedGen C0950123, MeSH D030342.
Progressive external ophthalmoplegia with mitochondrial DNA deletions, autosomal dominant 1 (PEOA1). Also called: PROGRESSIVE EXTERNAL OPHTHALMOPLEGIA, AUTOSOMAL DOMINANT 1; Autosomal Dominant Progressive External Ophthalmoplegia (adPEO). Identifiers: MedGen C1834846, MONDO:0024528, OMIM 157640.
Progressive external ophthalmoplegia with mitochondrial DNA deletions, autosomal recessive 1 (PEOB1). Also called: Progressive external ophthalmoplegia, autosomal recessive 1; Autosomal Recessive Progressive External Ophthalmoplegia (arPEO). Identifiers: Orphanet 254886, MedGen C4225153, MONDO:0009783, OMIM 258450.
Sensory ataxic neuropathy, dysarthria, and ophthalmoparesis (SANDO). Also called: Sensory ataxic neuropathy-dysarthria-ophthalmoparesis syndrome; Ataxia Neuropathy Spectrum (ANS); SENSORY ATAXIC NEUROPATHY WITH MITOCHONDRIAL DNA DELETIONS, AUTOSOMAL RECESSIVE; Epilepsy, progressive myoclonic, type 5. Identifiers: Orphanet 70595, MedGen C1843851, MONDO:0011835, OMIM 607459.
Progressive sclerosing poliodystrophy (MTDPS4A). Also called: Mitochondrial DNA depletion syndrome 4A (Alpers type); Mitochondrial DNA Depletion Syndrome 4A; ALPERS PROGRESSIVE INFANTILE POLIODYSTROPHY; Alpers-Huttenlocher Syndrome; Alpers Syndrome; ALPERS DIFFUSE DEGENERATION OF CEREBRAL GRAY MATTER WITH HEPATIC CIRRHOSIS. Identifiers: Orphanet 726, MedGen C0205710, MONDO:0008758, OMIM 203700.
Mitochondrial DNA depletion syndrome 4b. Also called: Mitochondrial Neurogastrointestinal Encephalopathy Disease, POLG-Related; MNGIE, POLG-RELATED. Identifiers: Orphanet 298, MedGen C3150914, MONDO:0013350, OMIM 613662.
Mitochondrial DNA depletion syndrome 1. Also called: Mitochondrial DNA Depletion Syndrome, MNGIE Form; Mitochondrial DNA depletion syndrome 1 (MNGIE type); Mitochondrial Neurogastrointestinal Encephalopathy Disease; MITOCHONDRIAL NEUROGASTROINTESTINAL ENCEPHALOPATHY SYNDROME, TYMP-RELATED; MNGIE, TYMP-RELATED; Mitochondrial neurogastrointestinal encephalomyopathy syndrome. Identifiers: Orphanet 298, MedGen C4551995, MONDO:0011283, OMIM 603041.
Autosomal recessive POLG-related disorders.
POLG-related disorder. Also called: POLG-Related Spectrum Disorders; POLG-related condition; POLG-Related Disorders. Identifiers: MedGen C4763519.
Hereditary spastic paraplegia. Also called: Familial spastic paraparesis. Identifiers: Orphanet 685, MedGen C0037773, MONDO:0019064. Disease mechanism: loss of function.
Intellectual disability. Also called: Intellectual functioning disability; intellectual disabilities; Intellectual developmental disorder. Identifiers: MedGen C3714756, MeSH D008607, MONDO:0001071, HP:0001249.

Allele frequency attached by ClinVar (database versions not stated): gnomAD 0.00007 and 0.00006; TOPMed 0.00008; gnomAD exomes 0.00012 and 0.00005; ESP Exome Variant Server 0.00015; ExAC 0.00007.
gnomAD v4.1: 179 of 1,613,984 alleles (0.011%); highest among the groups gnomAD compares: Non-Finnish European, 0.014%; no homozygotes.

Submissions 1 to 9 of 19:

Victorian Clinical Genetics Services, Murdoch Childrens Research Institute
Classification: Pathogenic for Progressive external ophthalmoplegia with mitochondrial DNA deletions, autosomal recessive 1. Last evaluated: 2026-06-15. Review status: criteria provided, single submitter. Criteria: ACMG Guidelines, 2015. Collection method: clinical testing. Allele origin: germline. Affected: yes.
Comment: This variant is classified as Pathogenic. Evidence in support of pathogenic classification: Variant is present in gnomAD <0.01 (v4: 179 heterozygote(s), 0 homozygote(s)); This variant has strong previous evidence of pathogenicity in unrelated individuals. This variant has been classified as pathogenic by many clinical laboratories in ClinVar. - Variant is located in a hotspot region or cluster of PATHOGENIC variants (DECIPHER). - Missense variant predicted to be damaging by in silico tool(s) or highly conserved with a major amino acid change. Additional information: Variant is predicted to result in a missense amino acid change from Arg to Cys; This variant is heterozygous; This gene is associated with both recessive and dominant disease. Variants are usually inherited in a recessive manner, however progressive external ophthalmoplegia can also be dominant when heterozygous variants are located in the highly conserved active site of motif B of the polymerase domain (PMID: 30451971); Loss of function is a known mechanism of disease in this gene and is associated with mitochondrial disease (MONDO:0044970), POLG-related; Variants in this gene are known to have variable expressivity (PMID: 20301791); Inheritance information for this variant is not currently available in this individual.

Labcorp Genetics (formerly Invitae), Labcorp
Classification: Pathogenic for Progressive sclerosing poliodystrophy. Last evaluated: 2026-01-23. Review status: criteria provided, single submitter. Criteria: Invitae Variant Classification Sherloc (09022015). Collection method: clinical testing. Allele origin: germline.
Comment: This sequence change replaces arginine, which is basic and polar, with cysteine, which is neutral and slightly polar, at codon 852 of the POLG protein (p.Arg852Cys). This variant is present in population databases (rs144500145, gnomAD 0.01%). This missense change has been observed in individual(s) with Alpers syndrome or ataxia neuropathy spectrum (PMID: 16545482, 18546365, 21880868, 22000311). In at least one individual the data is consistent with being in trans (on the opposite chromosome) from a pathogenic variant. ClinVar contains an entry for this variant (Variation ID: 206528). Invitae Evidence Modeling of protein sequence and biophysical properties (such as structural, functional, and spatial information, amino acid conservation, physicochemical variation, residue mobility, and thermodynamic stability) indicates that this missense variant is expected to disrupt POLG protein function with a positive predictive value of 95%. Experimental studies have shown that this missense change affects POLG function (PMID: 19478085). For these reasons, this variant has been classified as Pathogenic.

Variantyx, Inc.
Classification: Likely pathogenic for Autosomal recessive POLG-related disorders. Last evaluated: 2026-01-14. Review status: criteria provided, single submitter. Criteria: Variantyx Assertion Criteria 2022. Collection method: clinical testing. Allele origin: germline. Inheritance: Autosomal recessive inheritance. Affected: no.
Comment: This is a nonsynonymous variant in the POLG gene (OMIM: 174763). Pathogenic variants in this gene have been associated with autosomal recessive POLG-related disorders. This variant has been identified in the compound heterozygous state in at least four affected individuals in the published literature (PMID: 18546365, 22000311, 32964447, 30167885) (PM3). Multiple computational algorithms predict a deleterious effect for this variant (REVEL score: 0.986) (PP3), and an alternate amino acid change at this position (p.Arg852His) has been previously reported in similarly affected individuals, which suggests that this residue is biologically important (PMID: 21880868) (PM5_moderate). This variant has a 0.0142% maximum allele frequency in non-founder control populations (PM2). Based on the current evidence, this variant is classified as likely pathogenic for autosomal recessive POLG-related disorders.

Mayo Clinic Laboratories, Mayo Clinic
Classification: Pathogenic. Last evaluated: 2024-11-20. Review status: criteria provided, single submitter. Criteria: ACMG Guidelines, 2015. Collection method: clinical testing. Allele origin: germline. Observed: 1 variant allele.
Comment: PP3, PM3_strong, PS3

Blueprint Genetics
Classification: Pathogenic for POLG-related disorders. Last evaluated: 2024-07-09. Review status: criteria provided, single submitter. Criteria: ACMG Guidelines, 2015. Collection method: clinical testing. Allele origin: germline. Affected: yes. Observed: 5 variant alleles.

Daryl Scott Lab, Baylor College of Medicine
Classification: Pathogenic for POLG-related disorder. Last evaluated: 2024-04-01. Review status: criteria provided, single submitter. Criteria: ACMG Guidelines, 2015. Collection method: clinical testing. Allele origin: unknown. Observed: 1 compound heterozygote.
Comment: PS1, PS3, PM2, PM3, PP1, PP4

Baylor Genetics
Classification: Pathogenic for Progressive sclerosing poliodystrophy. Last evaluated: 2024-03-25. Review status: criteria provided, single submitter. Criteria: ACMG Guidelines, 2015. Collection method: clinical testing. Allele origin: unknown.

Women's Health and Genetics/Laboratory Corporation of America, LabCorp
Classification: Pathogenic for POLG-related disorder. Last evaluated: 2024-03-25. Review status: criteria provided, single submitter. Criteria: LabCorp Variant Classification Summary - May 2015. Collection method: clinical testing. Allele origin: germline.
Comment: Variant summary: POLG c.2554C>T (p.Arg852Cys) results in a non-conservative amino acid change located in the DNA polymerase gamma, palm domain (IPR047580) of the encoded protein sequence. Five of five in-silico tools predict a damaging effect of the variant on protein function. The variant allele was found at a frequency of 4.8e-05 in 251398 control chromosomes, predominantly at a frequency of 0.00011 within the Non-Finnish European subpopulation in the gnomAD database. c.2554C>T has been reported in the literature in the compound heterozygous state in individuals affected with POLG-Related Spectrum Disorders (e.g. Nguyen_2006, Wong_2008, Hunter_2011, Papandreou_2018). These data indicate that the variant is likely to be associated with disease. At least one publication reports experimental evidence evaluating an impact on protein function and found the variant results in <10% of normal activity (Kasiviswanathan_2009). The following publications have been ascertained in the context of this evaluation (PMID: 22000311, 19478085, 16545482, 30167885, 18546365). ClinVar contains an entry for this variant (Variation ID: 206528). Based on the evidence outlined above, the variant was classified as pathogenic.

CeGaT Center for Human Genetics Tuebingen
Classification: Pathogenic. Last evaluated: 2023-08-01. Review status: criteria provided, single submitter. Criteria: CeGaT Center For Human Genetics Tuebingen Variant Classification Criteria Version 2. Collection method: clinical testing. Allele origin: germline. Affected: yes. Observed: 2 variant alleles.
Comment: POLG: PM3:Very Strong, PM2, PM5, PP3, PS3:Supporting

NM_002693.3(POLG):c.2554C>T (p.Arg852Cys)

Gene: POLG (DNA polymerase gamma, catalytic subunit; minus strand). Cytogenetic location: 15q26.1.
Variant type: single nucleotide variant.
Coding change: c.2554C>T on transcript NM_002693.3 (MANE Select); coding-DNA position 2554, C replaced by T.
Protein change: p.Arg852Cys; replaces arginine 852 with cysteine.
Molecular consequence: missense variant.
Genome position (GRCh38, 1-based): chr15:89,321,780, G>A on the plus strand (C>T on the coding strand, the complement: POLG is on the minus strand). VCF-style: chr15-89321780-G-A. GRCh37 (hg19) VCF-style: chr15-89865011-G-A.
Other names: p.R852C:CGC>TGC; p.Arg852Cys; c.[2554C>T (NM_002693.2); c.2554C>T, p.Arg852Cys (NM_001126131.2); short protein forms R852C.
Identifiers: ClinVar variation 206528 (VCV000206528.67), dbSNP rs144500145, ClinGen allele CA316701.